The following is an entry in ClinVar:

ClinVar aggregate classification (germline): Uncertain significance (1 of 4 stars; one submission).

Submission:

Labcorp Genetics (formerly Invitae), Labcorp
Classification: Uncertain significance. Last evaluated: 2021-08-28. Review status: criteria provided, single submitter. Criteria: Invitae Variant Classification Sherloc (09022015). Collection method: clinical testing. Allele origin: germline.
Comment: This variant has not been reported in the literature in individuals affected with MEOX1-related conditions. Algorithms developed to predict the effect of missense changes on protein structure and function output the following: SIFT: "Tolerated"; PolyPhen-2: "Benign"; Align-GVGD: "Class C0". The asparagine amino acid residue is found in multiple mammalian species, which suggests that this missense change does not adversely affect protein function. In summary, the available evidence is currently insufficient to determine the role of this variant in disease. Therefore, it has been classified as a Variant of Uncertain Significance. This variant is not present in population databases (ExAC no frequency). This sequence change replaces serine with asparagine at codon 119 of the MEOX1 protein (p.Ser119Asn). The serine residue is moderately conserved and there is a small physicochemical difference between serine and asparagine.

NM_004527.4(MEOX1):c.356G>A (p.Ser119Asn)

Gene: MEOX1 (mesenchyme homeobox 1; minus strand). Cytogenetic location: 17q21.31.
Variant type: single nucleotide variant.
Coding change: c.356G>A on transcript NM_004527.4 (MANE Select); coding-DNA position 356, G replaced by A.
Protein change: p.Ser119Asn; replaces serine 119 with asparagine.
Molecular consequence: missense variant.
Genome position (GRCh38, 1-based): chr17:43,661,179, C>T on the plus strand (G>A on the coding strand, the complement: MEOX1 is on the minus strand). VCF-style: chr17-43661179-C-T. GRCh37 (hg19) VCF-style: chr17-41738547-C-T.
Other names: c.11G>A, p.Ser4Asn (NM_001040002.2); c.356G>A, p.Ser119Asn (NM_013999.4); short protein forms S119N, S4N.
Identifiers: ClinVar variation 1376290 (VCV001376290.6), dbSNP rs2154589070, ClinGen allele CA399904379.